The following is an entry in ClinVar:

NM_032608.7(MYO18B):c.4970A>G (p.Gln1657Arg)

Gene: MYO18B (myosin XVIIIB; plus strand). Cytogenetic location: 22q12.1.
Variant type: single nucleotide variant.
Coding change: c.4970A>G on transcript NM_032608.7 (MANE Select); coding-DNA position 4970, A replaced by G.
Protein change: p.Gln1657Arg; replaces glutamine 1657 with arginine.
Molecular consequence: missense variant.
Genome position (GRCh38, 1-based): chr22:25,903,653, A>G. VCF-style: chr22-25903653-A-G. GRCh37 (hg19) VCF-style: chr22-26299620-A-G.
Other names: c.4973A>G, p.Gln1658Arg (NM_001318245.2); short protein forms Q1657R, Q1658R.
Identifiers: ClinVar variation 2144973 (VCV002144973.4), dbSNP rs773143559, ClinGen allele CA10161038.

ClinVar aggregate classification (germline): Uncertain significance (1 of 4 stars; one submission).

Allele frequency attached by ClinVar (database versions not stated): gnomAD 0.00001; gnomAD exomes 0.00001; TOPMed 0.00001; ExAC 0.00006.
gnomAD v4.1: 7 of 1,607,764 alleles (0.00044%); highest among the groups gnomAD compares: Admixed American, 0.0068%; no homozygotes.

Submission:

Labcorp Genetics (formerly Invitae), Labcorp
Classification: Uncertain significance. Last evaluated: 2022-05-05. Review status: criteria provided, single submitter. Criteria: Invitae Variant Classification Sherloc (09022015). Collection method: clinical testing. Allele origin: germline.
Comment: This variant is present in population databases (rs773143559, gnomAD 0.009%). This sequence change replaces glutamine, which is neutral and polar, with arginine, which is basic and polar, at codon 1657 of the MYO18B protein (p.Gln1657Arg). This variant has not been reported in the literature in individuals affected with MYO18B-related conditions. In summary, the available evidence is currently insufficient to determine the role of this variant in disease. Therefore, it has been classified as a Variant of Uncertain Significance. Algorithms developed to predict the effect of missense changes on protein structure and function output the following: SIFT: "Not Available"; PolyPhen-2: "Benign"; Align-GVGD: "Not Available". The arginine amino acid residue is found in multiple mammalian species, which suggests that this missense change does not adversely affect protein function.